The following is an entry in ClinVar:

NM_000245.4(MET):c.3853C>A (p.Pro1285Thr)

Gene: MET (MET proto-oncogene, receptor tyrosine kinase; plus strand). Cytogenetic location: 7q31.2.
Variant type: single nucleotide variant.
Coding change: c.3853C>A on transcript NM_000245.4 (MANE Select); coding-DNA position 3853, C replaced by A.
Protein change: p.Pro1285Thr; replaces proline 1285 with threonine.
Molecular consequence: missense variant.
Genome position (GRCh38, 1-based): chr7:116,795,709, C>A. VCF-style: chr7-116795709-C-A. GRCh37 (hg19) VCF-style: chr7-116435763-C-A.
Other names: c.3907C>A, p.Pro1303Thr (NM_001127500.3); c.2563C>A, p.Pro855Thr (NM_001324402.2); short protein forms P1303T, P855T, P1285T.
Identifiers: ClinVar variation 2699658 (VCV002699658.3), dbSNP rs267601244, ClinGen allele CA369117838.
Genomic context (GRCh38, chr7:116,795,709, plus strand): 5'-TACTAGTGGTCCTTTGGCGTGCTCCTCTGGGAGCTGATGACAAGAGGAGCCCCACCTTAT[C>A]CTGACGTAAACACCTTTGATATAACTGTTTACTTGTTGCAAGGGAGAAGACTCCTACAAC-3'
Protein context (NP_000236.2, residues 1275-1295): ELMTRGAPPY[Pro1285Thr]DVNTFDITVY

ClinVar aggregate classification (germline): Uncertain significance (1 of 4 stars; one submission).

Conditions:
Renal cell carcinoma. Identifiers: Orphanet 217071, MedGen C0007134, MeSH D002292, MONDO:0005086, HP:0005584.

Submission:

Labcorp Genetics (formerly Invitae), Labcorp
Classification: Uncertain significance for Renal cell carcinoma. Last evaluated: 2023-11-29. Review status: criteria provided, single submitter. Criteria: Invitae Variant Classification Sherloc (09022015). Collection method: clinical testing. Allele origin: germline.
Comment: This sequence change replaces proline, which is neutral and non-polar, with threonine, which is neutral and polar, at codon 1303 of the MET protein (p.Pro1303Thr). This variant is not present in population databases (gnomAD no frequency). This variant has not been reported in the literature in individuals affected with MET-related conditions. Advanced modeling of protein sequence and biophysical properties (such as structural, functional, and spatial information, amino acid conservation, physicochemical variation, residue mobility, and thermodynamic stability) performed at Invitae indicates that this missense variant is expected to disrupt MET protein function with a positive predictive value of 80%. In summary, the available evidence is currently insufficient to determine the role of this variant in disease. Therefore, it has been classified as a Variant of Uncertain Significance.